The following is an entry in ClinVar:

ClinVar aggregate classification (germline): Benign/Likely benign. Review status: criteria provided, multiple submitters, no conflicts (2 of 4 stars). 4 submissions from 4 submitters: Benign (3); Likely benign (1). Last evaluated 2025-08-17.

Conditions:
Treacher Collins syndrome 1 (TCS1). Also called: TCOF1-Related Treacher Collins Syndrome. Identifiers: Orphanet 861, MedGen CN315775, MONDO:0007944, OMIM 154500.

Allele frequency attached by ClinVar (database versions not stated): gnomAD 0.00036 and 0.00052; gnomAD exomes 0.00057 and 0.00143; TOPMed 0.00091; ExAC 0.00139; 1000 Genomes Project 30x 0.00141; 1000 Genomes Project 0.00160.
gnomAD v4.1: 911 of 1,614,156 alleles (0.056%); highest among the groups gnomAD compares: East Asian, 1.5%; 7 homozygotes.

Submissions (4):

Labcorp Genetics (formerly Invitae), Labcorp
Classification: Benign for Treacher Collins syndrome 1. Last evaluated: 2025-08-17. Review status: criteria provided, single submitter. Criteria: Invitae Variant Classification Sherloc (09022015). Collection method: clinical testing. Allele origin: germline.

Fulgent Genetics
Classification: Likely benign for Treacher Collins syndrome 1. Last evaluated: 2021-08-05. Review status: criteria provided, single submitter. Criteria: ACMG Guidelines, 2015. Collection method: clinical testing. Allele origin: unknown.

Athena Diagnostics
Classification: Benign. Last evaluated: 2021-02-25. Review status: criteria provided, single submitter. Criteria: Athena Diagnostics criteria. Collection method: clinical testing. Allele origin: unknown.

GeneDx
Classification: Benign. Last evaluated: 2019-11-25. Review status: criteria provided, single submitter. Criteria: GeneDx Variant Classification Process June 2021. Collection method: clinical testing. Allele origin: germline. Affected: yes.
Comment: This variant is associated with the following publications: (PMID: 27526242, 29230583)

Literature cited by the submitters: PubMed 29230583 (cited by Athena Diagnostics).

NM_001371623.1(TCOF1):c.2842G>T (p.Ala948Ser)

Gene: TCOF1 (treacle ribosome biogenesis factor 1; plus strand). Cytogenetic location: 5q32.
Variant type: single nucleotide variant.
Coding change: c.2842G>T on transcript NM_001371623.1 (MANE Select); coding-DNA position 2842, G replaced by T.
Protein change: p.Ala948Ser; replaces alanine 948 with serine.
Molecular consequence: missense variant.
Genome position (GRCh38, 1-based): chr5:150,379,715, G>T. VCF-style: chr5-150379715-G-T. GRCh37 (hg19) VCF-style: chr5-149759278-G-T.
Other names: c.2611G>T, p.Ala871Ser (NM_000356.4, NM_001135245.2); c.2842G>T, p.Ala948Ser (NM_001008657.3, NM_001135243.2, NM_001135244.2 and 1 more transcripts); short protein forms A871S, A948S.
Identifiers: ClinVar variation 352220 (VCV000352220.15), dbSNP rs181102251, ClinGen allele CA3511277.